The following is an entry in ClinVar:

NM_000051.4(ATM):c.6831A>G (p.Gln2277=)

Genes: ATM (ATM serine/threonine kinase; plus strand), C11orf65 (chromosome 11 open reading frame 65; minus strand). Cytogenetic location: 11q22.3.
Variant type: single nucleotide variant.
Coding change: c.6831A>G on transcript NM_000051.4 (MANE Select); coding-DNA position 6831, A replaced by G.
Protein change: p.Gln2277=; no amino-acid change (glutamine 2277 retained).
Molecular consequence: synonymous variant. On other transcripts: intron variant (2).
Genome position (GRCh38, 1-based): chr11:108,326,081, A>G. VCF-style: chr11-108326081-A-G. GRCh37 (hg19) VCF-style: chr11-108196808-A-G.
Other names: c.6831A>G, p.Gln2277= (NM_001351834.2); c.641-17010T>C (NM_001330368.2); c.*38+9139T>C (NM_001351110.2).
Identifiers: ClinVar variation 490675 (VCV000490675.13), dbSNP rs1339794219, ClinGen allele CA476676285.

ClinVar aggregate classification (germline): Benign/Likely benign. Review status: criteria provided, multiple submitters, no conflicts (2 of 4 stars). 4 submissions from 4 submitters: Benign (1); Likely benign (3). Last evaluated 2025-06-11.

Conditions:
Hereditary cancer-predisposing syndrome. Also called: Neoplastic Syndromes, Hereditary; Hereditary Cancer Syndrome; Tumor predisposition; Hereditary neoplastic syndrome. Identifiers: Orphanet 140162, MedGen C0027672, MeSH D009386, MONDO:0015356.
Familial cancer of breast. Also called: Hereditary breast cancer; BREAST CANCER, FAMILIAL; hereditary breast carcinoma. Identifiers: Orphanet 227535, MedGen C0346153, MONDO:0016419, OMIM 114480. Disease mechanism: loss of function.
Ataxia-telangiectasia syndrome (AT). Also called: LOUIS-BAR SYNDROME; Cerebello-oculocutaneous telangiectasia; Immunodeficiency with ataxia telangiectasia; Ataxia-telangiectasia, complementation group D; AT, COMPLEMENTATION GROUP C; Ataxia-telangiectasia, complementation group E. Identifiers: Orphanet 100, MedGen C0004135, MONDO:0008840, OMIM 208900.

Submissions (4):

Labcorp Genetics (formerly Invitae), Labcorp
Classification: Likely benign for Ataxia-telangiectasia syndrome. Last evaluated: 2025-06-11. Review status: criteria provided, single submitter. Criteria: Invitae Variant Classification Sherloc (09022015). Collection method: clinical testing. Allele origin: germline.

Ambry Genetics
Classification: Likely benign for Hereditary cancer-predisposing syndrome. Last evaluated: 2024-09-30. Review status: criteria provided, single submitter. Criteria: Ambry Variant Classification Scheme 2023. Collection method: clinical testing. Allele origin: germline.

Myriad Genetics, Inc.
Classification: Benign for Familial cancer of breast. Last evaluated: 2024-06-12. Review status: criteria provided, single submitter. Criteria: Myriad Autosomal Dominant, Autosomal Recessive and X-Linked Classification Criteria (2023). Collection method: clinical testing. Allele origin: unknown.
Comment: This variant is considered benign. This variant is a silent/synonymous amino acid change and it is not expected to impact splicing.

Color Diagnostics, LLC DBA Color Health
Classification: Likely benign for Hereditary cancer-predisposing syndrome. Last evaluated: 2017-04-24. Review status: criteria provided, single submitter. Criteria: ACMG Guidelines, 2015. Collection method: clinical testing. Allele origin: germline.